The following is an entry in ClinVar:

NM_000051.4(ATM):c.8011-18T>C

Genes: ATM (ATM serine/threonine kinase; plus strand), C11orf65 (chromosome 11 open reading frame 65; minus strand). Cytogenetic location: 11q22.3.
Variant type: single nucleotide variant.
Coding change: c.8011-18T>C on transcript NM_000051.4 (MANE Select); 18 bases into the intron before coding-DNA position 8011, T replaced by C.
Molecular consequence: intron variant.
Genome position (GRCh38, 1-based): chr11:108,334,951, T>C. VCF-style: chr11-108334951-T-C. GRCh37 (hg19) VCF-style: chr11-108205678-T-C.
Other names: c.8011-18T>C (NM_001351834.2); c.641-25880A>G (NM_001330368.2); c.*38+269A>G (NM_001351110.2).
Identifiers: ClinVar variation 490722 (VCV000490722.13), dbSNP rs768522292, ClinGen allele CA6266261.

ClinVar aggregate classification (germline): Conflicting classifications of pathogenicity. Review status: criteria provided, conflicting classifications (1 of 4 stars). 4 submissions from 4 submitters: Uncertain significance (1); Likely benign (3). Last evaluated 2025-12-09.

Conditions:
Hereditary breast ovarian cancer syndrome. Also called: Breast and ovarian cancer; Hereditary breast and ovarian cancer syndrome; Hereditary breast and ovarian cancer; Hereditary breast and ovarian cancer syndrome (HBOC); Hereditary breast and/or ovarian cancer syndrome; BRCA1- and BRCA2-Associated Hereditary Breast and Ovarian Cancer. Identifiers: Orphanet 145, MedGen C0677776, MeSH D061325, MONDO:0003582. Disease mechanism: loss of function.
Hereditary cancer-predisposing syndrome. Also called: Hereditary Cancer Syndrome; Neoplastic Syndromes, Hereditary; Tumor predisposition; Hereditary neoplastic syndrome. Identifiers: Orphanet 140162, MedGen C0027672, MeSH D009386, MONDO:0015356.
Ataxia-telangiectasia syndrome (AT). Also called: Cerebello-oculocutaneous telangiectasia; Immunodeficiency with ataxia telangiectasia; Ataxia-telangiectasia, complementation group E; Ataxia-telangiectasia, complementation group D; AT, COMPLEMENTATION GROUP C; ATAXIA-TELANGIECTASIA, COMPLEMENTATION GROUP A. Identifiers: Orphanet 100, MedGen C0004135, MONDO:0008840, OMIM 208900.
Familial cancer of breast. Also called: BREAST CANCER, FAMILIAL; Hereditary breast cancer; hereditary breast carcinoma. Identifiers: Orphanet 227535, MedGen C0346153, MONDO:0016419, OMIM 114480. Disease mechanism: loss of function.

Allele frequency attached by ClinVar (database versions not stated): gnomAD exomes 0.00001 and below 0.00001; TOPMed below 0.00001; ExAC 0.00001.
gnomAD v4.1: 6 of 1,607,034 alleles (0.00037%); highest among the groups gnomAD compares: African/African-American, 0.0013%; no homozygotes.

Submissions (4):

German Consortium for Hereditary Breast and Ovarian Cancer, University Hospital Cologne
Classification: Uncertain significance for Hereditary breast ovarian cancer syndrome. Last evaluated: 2025-12-09. Review status: criteria provided, single submitter. Criteria: ClinGen ATM V1.4.0. Collection method: curation. Allele origin: germline.
Comment: This classification follows the ClinGen ACMG ATM v1.4.0 classification scheme; We chose these criteria: PM2 (supporting pathogenic): Frequency <=.001% in gnomAD v4 dataset, BP4 (supporting benign): Splicing: No predicted impact via splicing (SpliceAI ≤0.1)

Labcorp Genetics (formerly Invitae), Labcorp
Classification: Likely benign for Ataxia-telangiectasia syndrome. Last evaluated: 2025-11-16. Review status: criteria provided, single submitter. Criteria: Invitae Variant Classification Sherloc (09022015). Collection method: clinical testing. Allele origin: germline.

Myriad Genetics, Inc.
Classification: Likely benign for Familial cancer of breast. Last evaluated: 2024-06-18. Review status: criteria provided, single submitter. Criteria: Myriad Autosomal Dominant, Autosomal Recessive and X-Linked Classification Criteria (2023). Collection method: clinical testing. Allele origin: unknown.
Comment: This variant is considered likely benign. This variant is intronic and is not expected to impact mRNA splicing.

Color Diagnostics, LLC DBA Color Health
Classification: Likely benign for Hereditary cancer-predisposing syndrome. Last evaluated: 2017-05-12. Review status: criteria provided, single submitter. Criteria: ACMG Guidelines, 2015. Collection method: clinical testing. Allele origin: germline.